The following is an entry in ClinVar:

ClinVar aggregate classification (germline): Pathogenic (1 of 4 stars; one submission).

Conditions:
Multiple congenital exostosis (EXT). Also called: Multiple exostoses; Hereditary multiple osteochondromas; Hereditary multiple exostoses; Hereditary multiple exostosis; Multiple osteochondromas; MULTIPLE CARTILAGINOUS EXOSTOSES. Identifiers: Orphanet 321, MedGen C0015306, MONDO:0005508, HP:0002762.

Submission:

Labcorp Genetics (formerly Invitae), Labcorp
Classification: Pathogenic for Multiple congenital exostosis. Last evaluated: 2019-07-12. Review status: criteria provided, single submitter. Criteria: Invitae Variant Classification Sherloc (09022015). Collection method: clinical testing. Allele origin: germline.
Comment: For these reasons, this variant has been classified as Pathogenic. Loss-of-function variants in EXT1 are known to be pathogenic (PMID: 10679937, 11391482, 19810120). This variant has not been reported in the literature in individuals with EXT1-related conditions. This variant is not present in population databases (ExAC no frequency). This sequence change creates a premature translational stop signal (p.Gln121Thrfs*68) in the EXT1 gene. It is expected to result in an absent or disrupted protein product.

Literature cited by the submitters: PubMed 10679937; PubMed 11391482; PubMed 19810120.

NM_000127.3(EXT1):c.360dup (p.Gln121fs)

Gene: EXT1 (exostosin glycosyltransferase 1; minus strand). Cytogenetic location: 8q24.11.
Variant type: Duplication.
Coding change: c.360dup on transcript NM_000127.3 (MANE Select); coding-DNA position 360, one base duplicated (A; older notation c.360dupA).
Protein change: p.Gln121fs; shifts the reading frame from glutamine 121.
Molecular consequence: frameshift variant.
Genome position (GRCh38, 1-based): chr8:118,110,687, T duplicated on the plus strand (A on the coding strand, the reverse complement: EXT1 is on the minus strand). VCF-style (leftmost placement, unchanged base first): chr8-118110686-G-GT. GRCh37 (hg19) VCF-style: chr8-119122925-G-GT.
Other names: short protein forms Q121fs.
Identifiers: ClinVar variation 963627 (VCV000963627.7), dbSNP rs1817882619, ClinGen allele CA1139660754.